The following is an entry in ClinVar:

ClinVar aggregate classification (germline): Pathogenic (1 of 4 stars; one submission).

Submission:

Labcorp Genetics (formerly Invitae), Labcorp
Classification: Pathogenic. Last evaluated: 2023-09-21. Review status: criteria provided, single submitter. Criteria: Invitae Variant Classification Sherloc (09022015). Collection method: clinical testing. Allele origin: germline.
Comment: For these reasons, this variant has been classified as Pathogenic. Algorithms developed to predict the effect of sequence changes on RNA splicing suggest that this variant may disrupt the consensus splice site. This variant has not been reported in the literature in individuals affected with MYO15A-related conditions. This variant is not present in population databases (gnomAD no frequency). This sequence change creates a premature translational stop signal (p.Gly1256Hisfs*60) in the MYO15A gene. It is expected to result in an absent or disrupted protein product. Loss-of-function variants in MYO15A are known to be pathogenic (PMID: 17546645).

Literature cited by the submitters: PubMed 17546645.

NM_016239.4(MYO15A):c.3761_3764dup (p.Gly1256fs)

Gene: MYO15A (myosin XVA; plus strand). Cytogenetic location: 17p11.2.
Variant type: Microsatellite.
Coding change: c.3761_3764dup on transcript NM_016239.4 (MANE Select); coding-DNA positions 3761 to 3764, 4 bases duplicated (ACAT; older notation c.3761_3764dupACAT).
Protein change: p.Gly1256fs; shifts the reading frame from glycine 1256.
Molecular consequence: frameshift variant.
Genome position (GRCh38, 1-based): chr17:18,126,351-18,126,354, ACAT duplicated; duplicating any 4 consecutive bases within chr17:18,126,347-18,126,354 gives the same sequence; the c. name uses the placement nearest the transcript's 3' end. VCF-style (leftmost placement, unchanged base first): chr17-18126346-G-GACAT. GRCh37 (hg19) VCF-style: chr17-18029660-G-GACAT.
Other names: short protein forms G1256fs.
Identifiers: ClinVar variation 2762262 (VCV002762262.3), dbSNP rs2545205800, ClinGen allele CA2697559459.
Genomic context (GRCh38, chr17:18,126,346, plus strand): 5'-GAGGGAGGGACATAGAGGTCTGCAAGGAGCCACGACGCTGAGGCCACCGTCTGCCCAGCA[G>GACAT]ACATACATTGGGAGCATCCTGGTGTCGGTGAACCCATACCAAATGTTTGGAATCTATGGG-3'